The following is an entry in ClinVar:

NM_001368809.2(AMPD2):c.1348G>T (p.Glu450Ter)

Genes: AMPD2 (adenosine monophosphate deaminase 2; plus strand), LOC126805822 (BRD4-independent group 4 enhancer GRCh37_chr1:110170748-110171947; plus strand). Cytogenetic location: 1p13.3.
Variant type: single nucleotide variant.
Coding change: c.1348G>T on transcript NM_001368809.2 (MANE Select); coding-DNA position 1348, G replaced by T.
Protein change: p.Glu450Ter; replaces glutamic acid 450 with a stop codon.
Molecular consequence: nonsense.
Genome position (GRCh38, 1-based): chr1:109,628,436, G>T. VCF-style: chr1-109628436-G-T. GRCh37 (hg19) VCF-style: chr1-110171058-G-T.
Other names: c.1156G>T, p.Glu386Ter (NM_001257361.2); c.1285G>T, p.Glu429Ter (NM_001308170.1); c.1348G>T, p.Glu450Ter (NM_004037.9); c.1267G>T, p.Glu423Ter (NM_139156.4); short protein forms E386*, E423*, E429*, E450*.
Identifiers: ClinVar variation 4857701 (VCV004857701.1).
Genomic context (GRCh38, chr1:109,628,436, plus strand): 5'-TTCCATCGCTTTGACAAGTTTAATGCCAAATACAACCCTATTGGGGAGTCCGTCCTCCGA[G>T]AGATCTTCATCAAGACGGACAACAGGGTATCTGGGAAGTACTTTGCTCACATCATCAAGG-3'

ClinVar aggregate classification (germline): Pathogenic (1 of 4 stars; one submission).

Conditions:
Fetal anomalies with a likely genetic cause.

Submission:

Genetics Laboratory, Great Ormond Street Hospital NHS Foundation Trust, North Thames Genomic Laboratory Hub
Classification: Pathogenic for Fetal anomalies with a likely genetic cause. Last evaluated: 2026-05-14. Review status: criteria provided, single submitter. Criteria: ACGS Best Practice Guidelines for Variant Classification in Rare Disease 2024 v1.2. Collection method: clinical testing. Allele origin: germline. Affected: yes.
Comment: PM2_moderate, PVS1_very-strong, PM3_supporting